The following is an entry in ClinVar:

NM_032273.4(TMEM126A):c.87-19T>C

Gene: TMEM126A (transmembrane protein 126A; plus strand). Cytogenetic location: 11q14.1.
Variant type: single nucleotide variant.
Coding change: c.87-19T>C on transcript NM_032273.4 (MANE Select); 19 bases into the intron before coding-DNA position 87, T replaced by C.
Molecular consequence: intron variant.
Genome position (GRCh38, 1-based): chr11:85,654,044, T>C. VCF-style: chr11-85654044-T-C. GRCh37 (hg19) VCF-style: chr11-85365088-T-C.
Other names: c.-124-19T>C (NM_001244735.2).
Identifiers: ClinVar variation 389516 (VCV000389516.6), dbSNP rs778679518, ClinGen allele CA16606352.

ClinVar aggregate classification (germline): Likely benign. Review status: criteria provided, multiple submitters, no conflicts (2 of 4 stars). 3 submissions from 3 submitters: Likely benign (3). Last evaluated 2022-11-08.

gnomAD v4.1: 2 of 1,614,134 alleles (0.00012%); highest among the groups gnomAD compares: Admixed American, 0.0017%; no homozygotes.

Submissions (3):

Labcorp Genetics (formerly Invitae), Labcorp
Classification: Likely benign. Last evaluated: 2022-11-08. Review status: criteria provided, single submitter. Criteria: Invitae Variant Classification Sherloc (09022015). Collection method: clinical testing. Allele origin: germline.

Blueprint Genetics
Classification: Likely benign. Last evaluated: 2021-03-19. Review status: criteria provided, single submitter. Criteria: ACMG Guidelines, 2015. Collection method: clinical testing. Allele origin: germline.

GeneDx
Classification: Likely benign. Last evaluated: 2016-09-29. Review status: criteria provided, single submitter. Criteria: GeneDx Variant Classification (06012015). Collection method: clinical testing. Allele origin: germline. Affected: yes.
Comment: This variant is considered likely benign or benign based on one or more of the following criteria: it is a conservative change, it occurs at a poorly conserved position in the protein, it is predicted to be benign by multiple in silico algorithms, and/or has population frequency not consistent with disease.